The following is an entry in ClinVar:

NM_201384.3(PLEC):c.6312G>A (p.Ala2104=)

Gene: PLEC (plectin; minus strand). Cytogenetic location: 8q24.3.
Variant type: single nucleotide variant.
Coding change: c.6312G>A on transcript NM_201384.3 (MANE Select); coding-DNA position 6312, G replaced by A.
Protein change: p.Ala2104=; no amino-acid change (alanine 2104 retained).
Molecular consequence: synonymous variant.
Genome position (GRCh38, 1-based): chr8:143,923,617, C>T on the plus strand (G>A on the coding strand, the complement: PLEC is on the minus strand). VCF-style: chr8-143923617-C-T. GRCh37 (hg19) VCF-style: chr8-144997785-C-T.
Other names: c.6393G>A, p.Ala2131= (NM_000445.5); c.6270G>A, p.Ala2090= (NM_201378.4); c.6246G>A, p.Ala2082= (NM_201379.3); c.6723G>A, p.Ala2241= (NM_201380.4); c.6216G>A, p.Ala2072= (NM_201381.3); c.6312G>A, p.Ala2104= (NM_201382.4); c.6324G>A, p.Ala2108= (NM_201383.3).
Identifiers: ClinVar variation 501637 (VCV000501637.15), dbSNP rs782048792, ClinGen allele CA4926045.

ClinVar aggregate classification (germline): Conflicting classifications of pathogenicity. Review status: criteria provided, conflicting classifications (1 of 4 stars). 3 submissions from 3 submitters: Uncertain significance (1); Likely benign (2). Last evaluated 2025-04-17.

Conditions:
Epidermolysis bullosa simplex 5B, with muscular dystrophy (EBS5B). Also called: EPIDERMOLYSIS BULLOSA SIMPLEX AND LIMB-GIRDLE MUSCULAR DYSTROPHY; Epidermolysis bullosa simplex with muscular dystrophy. Identifiers: Orphanet 257, MedGen C2931072, MONDO:0009181, OMIM 226670.
Epidermolysis bullosa simplex, Ogna type (EBS5A). Also called: Pidermolysis bullosa simplex 5A, Ogna type; EPIDERMOLYSIS BULLOSA SIMPLEX 5A, OGNA TYPE. Identifiers: Orphanet 79401, MedGen C0432317, MONDO:0007555, OMIM 131950.
Autosomal recessive limb-girdle muscular dystrophy type 2Q (LGMDR17). Also called: MUSCULAR DYSTROPHY, LIMB-GIRDLE, AUTOSOMAL RECESSIVE 17. Identifiers: Orphanet 254361, MedGen C3150989, MONDO:0013390, OMIM 613723.
Epidermolysis bullosa simplex 5C, with pyloric atresia (EBS5C). Also called: Epidermolysis bullosa simplex with pyloric atresia; PLEC1-Related Epidermolysis Bullosa with Pyloric Atresia; PLEC-Related Epidermolysis Bullosa with Pyloric Atresia. Identifiers: Orphanet 158684, MedGen C2677349, MONDO:0012807, OMIM 612138.
Epidermolysis bullosa simplex with nail dystrophy (EBS5D). Identifiers: MedGen C4225309, MONDO:0014661, OMIM 616487.

Allele frequency attached by ClinVar (database versions not stated): gnomAD 0.00003 and 0.00004; gnomAD exomes 0.00005 and 0.00017; ExAC 0.00011; TOPMed 0.00011.
gnomAD v4.1: 78 of 1,591,126 alleles (0.0049%); highest among the groups gnomAD compares: Admixed American, 0.02%; no homozygotes.

Submissions (3):

Labcorp Genetics (formerly Invitae), Labcorp
Classification: Likely benign for Autosomal recessive limb-girdle muscular dystrophy type 2Q; Epidermolysis bullosa simplex, Ogna type; Epidermolysis bullosa simplex with nail dystrophy; Epidermolysis bullosa simplex 5C, with pyloric atresia; Epidermolysis bullosa simplex 5B, with muscular dystrophy. Last evaluated: 2025-04-17. Review status: criteria provided, single submitter. Criteria: Invitae Variant Classification Sherloc (09022015). Collection method: clinical testing. Allele origin: germline.

GeneDx
Classification: Likely benign. Last evaluated: 2021-03-24. Review status: criteria provided, single submitter. Criteria: GeneDx Variant Classification Process June 2021. Collection method: clinical testing. Allele origin: germline. Affected: yes.
Comment: See Variant Classification Assertion Criteria.

Eurofins Ntd Llc (ga)
Classification: Uncertain significance. Last evaluated: 2017-11-30. Review status: criteria provided, single submitter. Criteria: EGL Classification Definitions 2015. Collection method: clinical testing. Allele origin: germline. Observed: 2 variant alleles, 1 heterozygote, 1 homozygote.